The following is an entry in ClinVar:

ClinVar aggregate classification (germline): Conflicting classifications of pathogenicity. Review status: criteria provided, conflicting classifications (1 of 4 stars). 4 submissions from 4 submitters: Likely pathogenic (1); Uncertain significance (2). 1 of the submissions does not count toward it. Last evaluated 2023-06-06.

Conditions:
Dimethylglycine dehydrogenase deficiency (DMGDHD). Also called: DMGDH DEFICIENCY. Identifiers: Orphanet 243343, MedGen C1853892, MONDO:0011610, OMIM 605850.

Allele frequency attached by ClinVar (database versions not stated): gnomAD 0.00012 and 0.00015; gnomAD exomes 0.00012 and 0.00050; TOPMed 0.00021; 1000 Genomes Project 30x 0.00031.

Submissions (4):

Department of Pathology and Laboratory Medicine, Sinai Health System
Classification: Uncertain significance for Dimethylglycine dehydrogenase deficiency. Last evaluated: 2023-06-06. Review status: criteria provided, single submitter. Criteria: ACMG Guidelines, 2015. Collection method: research. Allele origin: germline.

GeneDx
Classification: Likely pathogenic. Last evaluated: 2016-06-08. Review status: criteria provided, single submitter. Criteria: GeneDx Variant Classification (06012015). Collection method: clinical testing. Allele origin: germline. Affected: yes.
Comment: The c.101+2 T>C splice site variant in the DMGDH gene destroys the canonical splice donor site in intron 1. It is predicted to cause abnormal gene splicing, either leading to an abnormal message that is subject to nonsense-mediated mRNA decay, or to an abnormal protein product if the message is used for protein translation. Although this variant has not been previously reported to our knowledge, we interpret it to be a likely pathogenic variant.

Juno Genomics, Hangzhou Juno Genomics, Inc
Classification: Uncertain significance for Dimethylglycine dehydrogenase deficiency. Review status: criteria provided, single submitter. Criteria: ACMG Guidelines, 2015. Collection method: clinical testing. Allele origin: germline.
Comment: For recessive disorders, detected in trans with a pathogenic variant.;Patient's phenotype or family history is highly specific for a disease with a single genetic etiology.

OMIM
Classification: Pathogenic for DIMETHYLGLYCINE DEHYDROGENASE DEFICIENCY. Last evaluated: 2024-03-21. Review status: flagged submission. Collection method: literature only. Allele origin: germline. Not counted in ClinVar's aggregate classification.
ClinVar note: Notes: Flagging candidate with reason of insufficient supporting evidence. This gene has been classified as having a limited gene-disease relationship by a ClinGen Expert Panel.
ClinVar note: Reason: P/LP classification for a variant in a gene with insufficient evidence for a gene-disease relationship

Literature cited by the submitters: PubMed 28881522 (cited by OMIM).

NM_013391.3(DMGDH):c.101+2T>C

Gene: DMGDH (dimethylglycine dehydrogenase; minus strand). Cytogenetic location: 5q14.1.
Variant type: single nucleotide variant.
Coding change: c.101+2T>C on transcript NM_013391.3 (MANE Select); the canonical splice donor site of the intron after coding-DNA position 101, T replaced by C.
Molecular consequence: splice donor variant.
Genome position (GRCh38, 1-based): chr5:79,069,518, A>G on the plus strand (T>C on the coding strand, the complement: DMGDH is on the minus strand). VCF-style: chr5-79069518-A-G. GRCh37 (hg19) VCF-style: chr5-78365341-A-G.
Other names: IVS1, T-C, +2.
Identifiers: ClinVar variation 432171 (VCV000432171.6), dbSNP rs56774046, ClinGen allele CA121126539.